The following is an entry in ClinVar:

NM_004208.4(AIFM1):c.1783G>A (p.Gly595Ser)

Genes: AIFM1 (apoptosis inducing factor mitochondria associated 1; minus strand), RAB33A (RAB33A, member RAS oncogene family; plus strand). Cytogenetic location: Xq26.1.
Variant type: single nucleotide variant.
Coding change: c.1783G>A on transcript NM_004208.4 (MANE Select); coding-DNA position 1783, G replaced by A.
Protein change: p.Gly595Ser; replaces glycine 595 with serine.
Molecular consequence: missense variant. On other transcripts: 3 prime UTR variant (1), non-coding transcript variant (1).
Genome position (GRCh38, 1-based): chrX:130,129,616, C>T on the plus strand (G>A on the coding strand, the complement: AIFM1 is on the minus strand). VCF-style: chrX-130129616-C-T. GRCh37 (hg19) VCF-style: chrX-129263591-C-T.
Other names: c.766G>A, p.Gly256Ser (NM_001130846.4); c.*1011G>A (NM_001130847.4); c.1771G>A, p.Gly591Ser (NM_145812.3); short protein forms G595S, G256S, G591S.
Identifiers: ClinVar variation 1430359 (VCV001430359.8), dbSNP rs2124643483, ClinGen allele CA414566639.

ClinVar aggregate classification (germline): Uncertain significance (1 of 4 stars; one submission).

Conditions:
Combined oxidative phosphorylation deficiency. Identifiers: MedGen C4540031, MONDO:0000732.
Charcot-Marie-Tooth Neuropathy X. Identifiers: MedGen CN118851.

Allele frequency attached by ClinVar (database versions not stated): gnomAD exomes below 0.00001.
gnomAD v4.1: 1 of 1,208,850 alleles (0.000083%); highest among the groups gnomAD compares: Middle Eastern, 0.023%; no homozygotes.

Submission:

Labcorp Genetics (formerly Invitae), Labcorp
Classification: Uncertain significance for Charcot-Marie-Tooth Neuropathy X; Combined oxidative phosphorylation deficiency. Last evaluated: 2023-04-26. Review status: criteria provided, single submitter. Criteria: Invitae Variant Classification Sherloc (09022015). Collection method: clinical testing. Allele origin: germline.
Comment: In summary, the available evidence is currently insufficient to determine the role of this variant in disease. Therefore, it has been classified as a Variant of Uncertain Significance. Advanced modeling of protein sequence and biophysical properties (such as structural, functional, and spatial information, amino acid conservation, physicochemical variation, residue mobility, and thermodynamic stability) has been performed at Invitae for this missense variant, however the output from this modeling did not meet the statistical confidence thresholds required to predict the impact of this variant on AIFM1 protein function. ClinVar contains an entry for this variant (Variation ID: 1430359). This variant has not been reported in the literature in individuals affected with AIFM1-related conditions. This variant is not present in population databases (gnomAD no frequency). This sequence change replaces glycine, which is neutral and non-polar, with serine, which is neutral and polar, at codon 595 of the AIFM1 protein (p.Gly595Ser).